The following is an entry in ClinVar:

ClinVar aggregate classification (germline): Uncertain significance (1 of 4 stars; one submission).

Allele frequency attached by ClinVar (database versions not stated): gnomAD exomes 0.00001; ExAC 0.00001.

Submission:

Labcorp Genetics (formerly Invitae), Labcorp
Classification: Uncertain significance. Last evaluated: 2022-09-01. Review status: criteria provided, single submitter. Criteria: Invitae Variant Classification Sherloc (09022015). Collection method: clinical testing. Allele origin: germline.
Comment: This sequence change replaces arginine, which is basic and polar, with tryptophan, which is neutral and slightly polar, at codon 765 of the ERCC3 protein (p.Arg765Trp). This variant is present in population databases (rs774571443, gnomAD 0.003%). This variant has not been reported in the literature in individuals affected with ERCC3-related conditions. ClinVar contains an entry for this variant (Variation ID: 1428473). Algorithms developed to predict the effect of missense changes on protein structure and function are either unavailable or do not agree on the potential impact of this missense change (SIFT: "Deleterious"; PolyPhen-2: "Possibly Damaging"; Align-GVGD: "Class C0"). In summary, the available evidence is currently insufficient to determine the role of this variant in disease. Therefore, it has been classified as a Variant of Uncertain Significance.

NM_000122.2(ERCC3):c.2293C>T (p.Arg765Trp)

Gene: ERCC3 (ERCC excision repair 3, TFIIH core complex helicase subunit; minus strand). Cytogenetic location: 2q14.3.
Variant type: single nucleotide variant.
Coding change: c.2293C>T on transcript NM_000122.2 (MANE Select); coding-DNA position 2293, C replaced by T.
Protein change: p.Arg765Trp; replaces arginine 765 with tryptophan.
Molecular consequence: missense variant.
Genome position (GRCh38, 1-based): chr2:127,257,652, G>A on the plus strand (C>T on the coding strand, the complement: ERCC3 is on the minus strand). VCF-style: chr2-127257652-G-A. GRCh37 (hg19) VCF-style: chr2-128015228-G-A.
Other names: c.2101C>T, p.Arg701Trp (NM_001303416.2, NM_001303418.2); short protein forms R701W, R765W.
Identifiers: ClinVar variation 1428473 (VCV001428473.4), dbSNP rs774571443, ClinGen allele CA1858013.